The following is an entry in ClinVar:

ClinVar aggregate classification (germline): Pathogenic/Likely pathogenic. Review status: criteria provided, multiple submitters, no conflicts (2 of 4 stars). 3 submissions from 3 submitters: Pathogenic (2); Likely pathogenic (1). Last evaluated 2024-06-10.

Conditions:
Fanconi anemia complementation group E (FANCE). Also called: FANCE-Related Fanconi Anemia. Identifiers: Orphanet 84, MedGen C3160739, MONDO:0010953, OMIM 600901.

Submissions (3):

Laboratorio de Genetica e Diagnostico Molecular, Hospital Israelita Albert Einstein
Classification: Pathogenic for Fanconi anemia complementation group E. Last evaluated: 2024-06-10. Review status: criteria provided, single submitter. Criteria: ACMG Guidelines, 2015. Collection method: clinical testing. Allele origin: germline. Affected: yes.
Comment: ACMG classification criteria: PVS1 very strong, PM2 supporting, PM3 supporting

Baylor Genetics
Classification: Likely pathogenic for Fanconi anemia complementation group E. Last evaluated: 2023-04-10. Review status: criteria provided, single submitter. Criteria: ACMG Guidelines, 2015. Collection method: clinical testing. Allele origin: unknown.

Fulgent Genetics
Classification: Pathogenic for Fanconi anemia complementation group E. Last evaluated: 2021-06-30. Review status: criteria provided, single submitter. Criteria: ACMG Guidelines, 2015. Collection method: clinical testing. Allele origin: unknown.
Comment: This variant has been detected in individual(s) who were sent for testing of Renasight - kidney gene panel.

NM_021922.3(FANCE):c.524dup (p.Arg176fs)

Gene: FANCE (FA complementation group E; plus strand). Cytogenetic location: 6p21.31.
Variant type: Duplication.
Coding change: c.524dup on transcript NM_021922.3 (MANE Select); coding-DNA position 524, one base duplicated (G; older notation c.524dupG).
Protein change: p.Arg176fs; shifts the reading frame from arginine 176.
Molecular consequence: frameshift variant.
Genome position (GRCh38, 1-based): chr6:35,456,022, G duplicated; the last of 6 consecutive G bases (chr6:35,456,017-35,456,022); duplicating any one gives the same sequence. VCF-style (leftmost placement, unchanged base first): chr6-35456016-T-TG. GRCh37 (hg19) VCF-style: chr6-35423793-T-TG.
Other names: short protein forms R176fs.
Identifiers: ClinVar variation 1179182 (VCV001179182.4), dbSNP rs773363446, ClinGen allele CA3771425.